The following is an entry in ClinVar:

ClinVar aggregate classification (germline): Uncertain significance (1 of 4 stars; one submission).

Conditions:
Acromesomelic dysplasia 1, Maroteaux type (AMD1). Also called: ST. HELENA DYSPLASIA; ACROMESOMELIC DYSPLASIA 1. Identifiers: Orphanet 40, MedGen C1864356, MONDO:0011275, OMIM 602875.
Tall stature-scoliosis-macrodactyly of the great toes syndrome. Also called: Epiphyseal chondrodysplasia, miura type. Identifiers: Orphanet 329191, MedGen C4014690, MONDO:0014401, OMIM 615923.

Allele frequency attached by ClinVar (database versions not stated): gnomAD exomes 0.00001.
gnomAD v4.1: 13 of 1,612,854 alleles (0.00081%); highest among the groups gnomAD compares: African/African-American, 0.0013%; no homozygotes.

Submission:

Labcorp Genetics (formerly Invitae), Labcorp
Classification: Uncertain significance for Tall stature-scoliosis-macrodactyly of the great toes syndrome; Acromesomelic dysplasia 1, Maroteaux type. Last evaluated: 2023-11-17. Review status: criteria provided, single submitter. Criteria: Invitae Variant Classification Sherloc (09022015). Collection method: clinical testing. Allele origin: germline.
Comment: This sequence change replaces isoleucine, which is neutral and non-polar, with valine, which is neutral and non-polar, at codon 296 of the NPR2 protein (p.Ile296Val). This variant is not present in population databases (gnomAD no frequency). This variant has not been reported in the literature in individuals affected with NPR2-related conditions. ClinVar contains an entry for this variant (Variation ID: 2130909). Advanced modeling of protein sequence and biophysical properties (such as structural, functional, and spatial information, amino acid conservation, physicochemical variation, residue mobility, and thermodynamic stability) performed at Invitae indicates that this missense variant is not expected to disrupt NPR2 protein function with a negative predictive value of 80%. In summary, the available evidence is currently insufficient to determine the role of this variant in disease. Therefore, it has been classified as a Variant of Uncertain Significance.

NM_003995.4(NPR2):c.886A>G (p.Ile296Val)

Gene: NPR2 (natriuretic peptide receptor 2; plus strand). Cytogenetic location: 9p13.3.
Variant type: single nucleotide variant.
Coding change: c.886A>G on transcript NM_003995.4 (MANE Select); coding-DNA position 886, A replaced by G.
Protein change: p.Ile296Val; replaces isoleucine 296 with valine.
Molecular consequence: missense variant.
Genome position (GRCh38, 1-based): chr9:35,799,630, A>G. VCF-style: chr9-35799630-A-G. GRCh37 (hg19) VCF-style: chr9-35799627-A-G.
Other names: c.886A>G, p.Ile296Val (NM_001378923.1); short protein forms I296V.
Identifiers: ClinVar variation 2130909 (VCV002130909.4), dbSNP rs889615587, ClinGen allele CA192765120.